The following is an entry in ClinVar:

NM_152468.5(TMC8):c.1237G>A (p.Val413Ile)

Gene: TMC8 (transmembrane channel like 8; plus strand). Cytogenetic location: 17q25.3.
Variant type: single nucleotide variant.
Coding change: c.1237G>A on transcript NM_152468.5 (MANE Select); coding-DNA position 1237, G replaced by A.
Protein change: p.Val413Ile; replaces valine 413 with isoleucine.
Molecular consequence: missense variant.
Genome position (GRCh38, 1-based): chr17:78,137,344, G>A. VCF-style: chr17-78137344-G-A. GRCh37 (hg19) VCF-style: chr17-76133425-G-A.
Other names: short protein forms V413I.
Identifiers: ClinVar variation 526244 (VCV000526244.8), dbSNP rs545052827, ClinGen allele CA401248201.
Genomic context (GRCh38, chr17:78,137,344, plus strand): 5'-GGTCAGACCATACTGTGCATTGGCAGAGACAAGAGCAGCTGTGAGTCCTACGGCTACAAC[G>A]TTTGTGACTATCAGGTGGCTGGCAGCCCGGCGGGGCCTGTCCCTCCCTTCCTTCTCCCCA-3'
Protein context (NP_689681.2, residues 403-423): KSSCESYGYN[Val413Ile]CDYQCWENSV

ClinVar aggregate classification (germline): Uncertain significance (1 of 4 stars; one submission).

Conditions:
Epidermodysplasia verruciformis. Identifiers: Orphanet 302, MedGen C0014522, MONDO:0009176.

Allele frequency attached by ClinVar (database versions not stated): TOPMed 0.00001.
gnomAD v4.1: 8 of 1,613,842 alleles (0.0005%); highest among the groups gnomAD compares: East Asian, 0.0045%; no homozygotes.

Submission:

Labcorp Genetics (formerly Invitae), Labcorp
Classification: Uncertain significance for Epidermodysplasia verruciformis. Last evaluated: 2022-04-12. Review status: criteria provided, single submitter. Criteria: Invitae Variant Classification Sherloc (09022015). Collection method: clinical testing. Allele origin: germline.
Comment: In summary, the available evidence is currently insufficient to determine the role of this variant in disease. Therefore, it has been classified as a Variant of Uncertain Significance. This sequence change replaces valine, which is neutral and non-polar, with isoleucine, which is neutral and non-polar, at codon 413 of the TMC8 protein (p.Val413Ile). This variant is not present in population databases (gnomAD no frequency). This variant has not been reported in the literature in individuals affected with TMC8-related conditions. ClinVar contains an entry for this variant (Variation ID: 526244). Algorithms developed to predict the effect of missense changes on protein structure and function (SIFT, PolyPhen-2, Align-GVGD) all suggest that this variant is likely to be tolerated.